The following is an entry in ClinVar:

NM_020791.4(TAOK1):c.162G>A (p.Val54=)

Gene: TAOK1 (TAO kinase 1; plus strand). Cytogenetic location: 17q11.2.
Variant type: single nucleotide variant.
Coding change: c.162G>A on transcript NM_020791.4 (MANE Select); coding-DNA position 162, G replaced by A.
Protein change: p.Val54=; no amino-acid change (valine 54 retained).
Molecular consequence: synonymous variant.
Genome position (GRCh38, 1-based): chr17:29,467,174, G>A. VCF-style: chr17-29467174-G-A. GRCh37 (hg19) VCF-style: chr17-27794192-G-A.
Other names: c.162G>A, p.Val54= (NM_025142.1).
Identifiers: ClinVar variation 2647610 (VCV002647610.25), dbSNP rs370714623, ClinGen allele CA8474368.
Genomic context (GRCh38, chr17:29,467,174, plus strand): 5'-TACAGTGCTTCTTTCTTTCTTTCTTCTTTAGGCACGAGATGTGCGTACCAATGAAGTGGT[G>A]GCCATCAAGAAAATGTCTTATAGTGGAAAGCAGTCTACTGAGGTAGGTTAAATATGTACA-3'
Protein context (NP_065842.1, residues 44-64): FARDVRTNEV[Val54=]AIKKMSYSGK

ClinVar aggregate classification (germline): Likely benign. Review status: criteria provided, multiple submitters, no conflicts (2 of 4 stars). 2 submissions from 2 submitters: Likely benign (2). Last evaluated 2023-08-01.

Allele frequency attached by ClinVar (database versions not stated): gnomAD exomes 0.00001; TOPMed 0.00001; ExAC 0.00002; gnomAD 0.00001; ESP Exome Variant Server 0.00008.
gnomAD v4.1: 22 of 1,604,650 alleles (0.0014%); highest among the groups gnomAD compares: African/African-American, 0.0053%; no homozygotes.

Submissions (2):

CeGaT Center for Human Genetics Tuebingen
Classification: Likely benign. Last evaluated: 2023-08-01. Review status: criteria provided, single submitter. Criteria: CeGaT Center For Human Genetics Tuebingen Variant Classification Criteria Version 2. Collection method: clinical testing. Allele origin: germline. Affected: yes. Observed: 1 variant allele.
Comment: TAOK1: BP4

Blueprint Genetics
Classification: Likely benign. Last evaluated: 2022-04-20. Review status: criteria provided, single submitter. Criteria: ACMG Guidelines, 2015. Collection method: clinical testing. Allele origin: germline.